The following is an entry in ClinVar:

NM_054012.4(ASS1):c.786C>T (p.Gly262=)

Gene: ASS1 (argininosuccinate synthase 1; plus strand). Cytogenetic location: 9q34.11.
Variant type: single nucleotide variant.
Coding change: c.786C>T on transcript NM_054012.4 (MANE Select); coding-DNA position 786, C replaced by T.
Protein change: p.Gly262=; no amino-acid change (glycine 262 retained).
Molecular consequence: synonymous variant.
Genome position (GRCh38, 1-based): chr9:130,480,397, C>T. VCF-style: chr9-130480397-C-T. GRCh37 (hg19) VCF-style: chr9-133355784-C-T.
Other names: c.786C>T, p.Gly262= (NM_000050.4).
Identifiers: ClinVar variation 392113 (VCV000392113.21), dbSNP rs536799104, ClinGen allele CA5283531.

ClinVar aggregate classification (germline): Conflicting classifications of pathogenicity. Review status: criteria provided, conflicting classifications (1 of 4 stars). 6 submissions from 6 submitters: Uncertain significance (1); Likely benign (5). Last evaluated 2025-12-24.

Conditions:
Citrullinemia. Identifiers: Orphanet 187, MedGen C0175683, MONDO:0015991.
Citrullinemia type I (CTNL1). Also called: ASS DEFICIENCY; argininosuccinate synthetase deficiency. Identifiers: Orphanet 247525, MedGen C4721769, MONDO:0008988, OMIM 215700.

Allele frequency attached by ClinVar (database versions not stated): 1000 Genomes Project 30x 0.00031; 1000 Genomes Project 0.00040; gnomAD 0.00003 and 0.00007; TOPMed 0.00012; ExAC 0.00014; gnomAD exomes 0.00018.
gnomAD v4.1: 172 of 1,614,206 alleles (0.011%); highest among the groups gnomAD compares: East Asian, 0.12%; no homozygotes.

Submissions (6):

Labcorp Genetics (formerly Invitae), Labcorp
Classification: Likely benign for Citrullinemia. Last evaluated: 2025-12-24. Review status: criteria provided, single submitter. Criteria: Invitae Variant Classification Sherloc (09022015). Collection method: clinical testing. Allele origin: germline.

Blueprint Genetics
Classification: Likely benign. Last evaluated: 2024-11-22. Review status: criteria provided, single submitter. Criteria: ACMG Guidelines, 2015. Collection method: clinical testing. Allele origin: germline.

Pars Genome Lab
Classification: Likely benign for Citrullinemia type I. Last evaluated: 2021-05-18. Review status: criteria provided, single submitter. Criteria: ACMG Guidelines, 2015. Collection method: clinical testing. Allele origin: germline. Affected: no.

Women's Health and Genetics/Laboratory Corporation of America, LabCorp
Classification: Likely benign. Last evaluated: 2021-02-01. Review status: criteria provided, single submitter. Criteria: LabCorp Variant Classification Summary - May 2015. Collection method: clinical testing. Allele origin: germline.

GeneDx
Classification: Likely benign. Last evaluated: 2017-07-27. Review status: criteria provided, single submitter. Criteria: GeneDx Variant Classification (06012015). Collection method: clinical testing. Allele origin: germline. Affected: yes.
Comment: This variant is considered likely benign or benign based on one or more of the following criteria: it is a conservative change, it occurs at a poorly conserved position in the protein, it is predicted to be benign by multiple in silico algorithms, and/or has population frequency not consistent with disease.

Illumina Laboratory Services, Illumina
Classification: Uncertain significance for Citrullinemia type I. Last evaluated: 2017-04-27. Review status: criteria provided, single submitter. Criteria: ICSL Variant Classification Criteria 13 December 2019. Collection method: clinical testing. Allele origin: germline.